The following is an entry in ClinVar:

ClinVar aggregate classification (germline): Uncertain significance (1 of 4 stars; one submission).

Submission:

Labcorp Genetics (formerly Invitae), Labcorp
Classification: Uncertain significance. Last evaluated: 2023-12-11. Review status: criteria provided, single submitter. Criteria: Invitae Variant Classification Sherloc (09022015). Collection method: clinical testing. Allele origin: germline.
Comment: This sequence change falls in intron 4 of the HPS3 gene. It does not directly change the encoded amino acid sequence of the HPS3 protein. It affects a nucleotide within the consensus splice site. This variant is not present in population databases (gnomAD no frequency). This variant has not been reported in the literature in individuals affected with HPS3-related conditions. ClinVar contains an entry for this variant (Variation ID: 1037200). Variants that disrupt the consensus splice site are a relatively common cause of aberrant splicing (PMID: 17576681, 9536098). Algorithms developed to predict the effect of sequence changes on RNA splicing suggest that this variant may disrupt the consensus splice site. In summary, the available evidence is currently insufficient to determine the role of this variant in disease. Therefore, it has been classified as a Variant of Uncertain Significance.

Literature cited by the submitters: PubMed 17576681; PubMed 9536098.

NM_032383.5(HPS3):c.970+5G>T

Gene: HPS3 (HPS3 biogenesis of lysosomal organelles complex 2 subunit 1; plus strand). Cytogenetic location: 3q24.
Variant type: single nucleotide variant.
Coding change: c.970+5G>T on transcript NM_032383.5 (MANE Select); 5 bases into the intron after coding-DNA position 970, G replaced by T.
Molecular consequence: intron variant.
Genome position (GRCh38, 1-based): chr3:149,141,385, G>T. VCF-style: chr3-149141385-G-T. GRCh37 (hg19) VCF-style: chr3-148859172-G-T.
Other names: c.475+5G>T (NM_001308258.2).
Identifiers: ClinVar variation 1037200 (VCV001037200.6), dbSNP rs1722442149, ClinGen allele CA1410091955.